The following is an entry in ClinVar:

ClinVar aggregate classification (germline): Uncertain significance (1 of 4 stars; one submission).

Allele frequency attached by ClinVar (database versions not stated): gnomAD exomes 0.00001.
gnomAD v4.1: 9 of 1,614,172 alleles (0.00056%); highest among the groups gnomAD compares: Non-Finnish European, 0.00076%; no homozygotes.

Submission:

Labcorp Genetics (formerly Invitae), Labcorp
Classification: Uncertain significance. Last evaluated: 2022-10-24. Review status: criteria provided, single submitter. Criteria: Invitae Variant Classification Sherloc (09022015). Collection method: clinical testing. Allele origin: germline.
Comment: This variant is not present in population databases (gnomAD no frequency). This sequence change replaces asparagine, which is neutral and polar, with aspartic acid, which is acidic and polar, at codon 633 of the ELP1 protein (p.Asn633Asp). This variant has not been reported in the literature in individuals affected with ELP1-related conditions. In summary, the available evidence is currently insufficient to determine the role of this variant in disease. Therefore, it has been classified as a Variant of Uncertain Significance. Advanced modeling of protein sequence and biophysical properties (such as structural, functional, and spatial information, amino acid conservation, physicochemical variation, residue mobility, and thermodynamic stability) performed at Invitae indicates that this missense variant is not expected to disrupt ELP1 protein function.

NM_003640.5(ELP1):c.1897A>G (p.Asn633Asp)

Gene: ELP1 (elongator acetyltransferase complex subunit 1; minus strand). Cytogenetic location: 9q31.3.
Variant type: single nucleotide variant.
Coding change: c.1897A>G on transcript NM_003640.5 (MANE Select); coding-DNA position 1897, A replaced by G.
Protein change: p.Asn633Asp; replaces asparagine 633 with aspartic acid.
Molecular consequence: missense variant.
Genome position (GRCh38, 1-based): chr9:108,901,639, T>C on the plus strand (A>G on the coding strand, the complement: ELP1 is on the minus strand). VCF-style: chr9-108901639-T-C. GRCh37 (hg19) VCF-style: chr9-111663919-T-C.
Other names: c.1555A>G, p.Asn519Asp (NM_001318360.2); c.850A>G, p.Asn284Asp (NM_001330749.2); short protein forms N633D, N284D, N519D.
Identifiers: ClinVar variation 2195395 (VCV002195395.4), dbSNP rs2537903097, ClinGen allele CA374424780.